The following is an entry in ClinVar:

ClinVar aggregate classification (germline): Pathogenic (1 of 4 stars; one submission).

Conditions:
Rienhoff syndrome. Also called: LOEYS-DIETZ SYNDROME 5. Identifiers: MedGen C3810012, MONDO:0014262, OMIM 615582.

Submission:

Labcorp Genetics (formerly Invitae), Labcorp
Classification: Pathogenic for Rienhoff syndrome. Last evaluated: 2022-09-04. Review status: criteria provided, single submitter. Criteria: Invitae Variant Classification Sherloc (09022015). Collection method: clinical testing. Allele origin: germline.
Comment: This variant has not been reported in the literature in individuals affected with TGFB3-related conditions. For these reasons, this variant has been classified as Pathogenic. This variant is not present in population databases (gnomAD no frequency). This sequence change creates a premature translational stop signal (p.Phe32Leufs*13) in the TGFB3 gene. It is expected to result in an absent or disrupted protein product. Loss-of-function variants in TGFB3 are known to be pathogenic (PMID: 25835445, 26188975).

Literature cited by the submitters: PubMed 25835445; PubMed 26188975.

NM_003239.5(TGFB3):c.95_96insA (p.Phe32fs)

Gene: TGFB3 (transforming growth factor beta 3; minus strand). Cytogenetic location: 14q24.3.
Variant type: Insertion.
Coding change: c.95_96insA on transcript NM_003239.5 (MANE Select); coding-DNA positions 95 to 96, A inserted.
Protein change: p.Phe32fs; shifts the reading frame from phenylalanine 32.
Molecular consequence: frameshift variant.
Genome position: GRCh38 VCF-style: chr14-75980798-G-GT. GRCh37 (hg19) VCF-style: chr14-76447141-G-GT.
Other names: c.95_96insA, p.Phe32fs (NM_001329938.2, NM_001329939.2); short protein forms F32fs.
Identifiers: ClinVar variation 2029032 (VCV002029032.4), dbSNP rs2503024114, ClinGen allele CA2580088876.
Genomic context (GRCh38, chr14:75,980,798, plus strand): 5'-CCTGAGCTTGCTCAAGATCTGTCCCCTAATGGCTTCCACCCTCTTCTTCTTGATGTGGCC[G>GT]AAGTCCAAGGTGGTGCAAGTGGACAGAGAGAGGCTGACCGTGGCAAAGTTCAGCAGGGCC-3'